The following is an entry in ClinVar:

NM_001148.6(ANK2):c.1641A>G (p.Ser547=)

Gene: ANK2 (ankyrin 2; plus strand). Cytogenetic location: 4q26.
Variant type: single nucleotide variant.
Coding change: c.1641A>G on transcript NM_001148.6 (MANE Select); coding-DNA position 1641, A replaced by G.
Protein change: p.Ser547=; no amino-acid change (serine 547 retained).
Molecular consequence: synonymous variant.
Genome position (GRCh38, 1-based): chr4:113,274,607, A>G. VCF-style: chr4-113274607-A-G. GRCh37 (hg19) VCF-style: chr4-114195763-A-G.
Other names: c.1578A>G, p.Ser526= (NM_001127493.3, NM_001354239.2, NM_001354243.2 and 14 more transcripts); c.1641A>G, p.Ser547= (NM_001354225.2, NM_001354228.2, NM_001354232.2 and 8 more transcripts); c.1686A>G, p.Ser562= (NM_001354230.2, NM_001354231.2, NM_001354237.2 and 5 more transcripts); c.1554A>G, p.Ser518= (NM_001354249.2, NM_001354260.2, NM_001354264.2 and 13 more transcripts); c.1599A>G, p.Ser533= (NM_001354261.2, NM_001386147.1, NM_001386160.1); c.1431A>G, p.Ser477= (NM_001354269.3); c.1443A>G, p.Ser481= (NM_001354273.2); c.1356A>G, p.Ser452= (NM_001354277.2, NM_001386157.1, NM_001386158.1); and 4 more.
Identifiers: ClinVar variation 1777040 (VCV001777040.7), dbSNP rs2059584021, ClinGen allele CA440823704.

ClinVar aggregate classification (germline): Likely benign. Review status: criteria provided, multiple submitters, no conflicts (2 of 4 stars). 3 submissions from 3 submitters: Likely benign (3). Last evaluated 2026-04-01.

Conditions:
Long QT syndrome (LQTS). Identifiers: MedGen C0023976, MeSH D008133, MONDO:0002442. Disease mechanism: loss of function. Inheritance: Various modes of inheritance.
Cardiovascular phenotype. Identifiers: MedGen CN230736.

Allele frequency attached by ClinVar (database versions not stated): gnomAD exomes below 0.00001.
gnomAD v4.1: 5 of 1,614,230 alleles (0.00031%); highest among the groups gnomAD compares: Non-Finnish European, 0.00034%; no homozygotes.

Submissions (3):

CeGaT Center for Human Genetics Tuebingen
Classification: Likely benign. Last evaluated: 2026-04-01. Review status: criteria provided, single submitter. Criteria: CeGaT Center For Human Genetics Tuebingen Variant Classification Criteria Version 2. Collection method: clinical testing. Allele origin: germline. Affected: yes. Observed: 1 variant allele.
Comment: ANK2: BP4, BP7

Labcorp Genetics (formerly Invitae), Labcorp
Classification: Likely benign for Long QT syndrome. Last evaluated: 2023-10-18. Review status: criteria provided, single submitter. Criteria: Invitae Variant Classification Sherloc (09022015). Collection method: clinical testing. Allele origin: germline.

Ambry Genetics
Classification: Likely benign for Cardiovascular phenotype. Last evaluated: 2021-11-19. Review status: criteria provided, single submitter. Criteria: Ambry Variant Classification Scheme 2023. Collection method: clinical testing. Allele origin: germline.